The following is an entry in ClinVar:

Conditions:
Breast-ovarian cancer, familial, susceptibility to, 1 (BROVCA1). Also called: BRCA1 Hereditary Breast and Ovarian Cancer; OVARIAN CANCER, SUSCEPTIBILITY TO. Identifiers: Orphanet 145, MedGen C2676676, MONDO:0011450, OMIM 604370. Disease mechanism: loss of function.

gnomAD v4.1: 1 of 1,614,166 alleles (0.000062%); no homozygotes.

Submission:

Brotman Baty Institute, University of Washington
No classification provided (evidence only). Condition: Breast-ovarian cancer, familial 1. Review status: no classification provided. Collection method: in vitro. Allele origin: not applicable. Functional consequence: functionally_normal.
ClinVar note: "not provided" was previously submitted as the classification for the variant. However, the classification appeared to be based only on an observation of functional data so it was converted to no classification on 2025-07-30.

NM_007294.4(BRCA1):c.5357T>A (p.Leu1786Gln)

Gene: BRCA1 (BRCA1 DNA repair associated; minus strand). Cytogenetic location: 17q21.31.
Variant type: single nucleotide variant.
Coding change: c.5357T>A on transcript NM_007294.4 (MANE Select); coding-DNA position 5357, T replaced by A.
Protein change: p.Leu1786Gln; replaces leucine 1786 with glutamine.
Molecular consequence: missense variant. On other transcripts: non-coding transcript variant (1), intron variant (1).
Genome position (GRCh38, 1-based): chr17:43,049,170, A>T on the plus strand (T>A on the coding strand, the complement: BRCA1 is on the minus strand). VCF-style: chr17-43049170-A-T. GRCh37 (hg19) VCF-style: chr17-41201187-A-T.
Other names: c.5144T>A, p.Leu1715Gln (NM_001407571.1, NM_001407894.1, NM_001407895.1 and 12 more transcripts); c.5423T>A, p.Leu1808Gln (NM_001407581.1, NM_001407582.1); c.5420T>A, p.Leu1807Gln (NM_001407583.1, NM_001407585.1, NM_001407587.1 and 1 more transcripts); c.5417T>A, p.Leu1806Gln (NM_001407590.1, NM_001407591.1); c.5357T>A, p.Leu1786Gln (NM_001407593.1, NM_001407594.1, NM_001407596.1 and 5 more transcripts); c.5354T>A, p.Leu1785Gln (NM_001407614.1, NM_001407615.1, NM_001407616.1 and 14 more transcripts); c.5351T>A, p.Leu1784Gln (NM_001407633.1, NM_001407634.1, NM_001407635.1 and 13 more transcripts); c.5279T>A, p.Leu1760Gln (NM_001407655.1, NM_001407652.1, NM_001407653.1 and 1 more transcripts); and 73 more; short protein forms L1786Q, L682Q, L1739Q, L1807Q, L1658Q, L1659Q, L1697Q, L1716Q.
Identifiers: ClinVar variation 865377 (VCV000865377.3), dbSNP rs398122697, ClinGen allele CA10590750.